The following is an entry in ClinVar:

NM_018297.4(NGLY1):c.25T>A (p.Ser9Thr)

Gene: NGLY1 (N-glycanase 1; minus strand). Cytogenetic location: 3p24.2.
Variant type: single nucleotide variant.
Coding change: c.25T>A on transcript NM_018297.4 (MANE Select); coding-DNA position 25, T replaced by A.
Protein change: p.Ser9Thr; replaces serine 9 with threonine.
Molecular consequence: missense variant. On other transcripts: intron variant (1).
Genome position (GRCh38, 1-based): chr3:25,783,366, A>T on the plus strand (T>A on the coding strand, the complement: NGLY1 is on the minus strand). VCF-style: chr3-25783366-A-T. GRCh37 (hg19) VCF-style: chr3-25824857-A-T.
Other names: c.25T>A, p.Ser9Thr (NM_001145293.2, NM_001145295.2); c.6-4678T>A (NM_001145294.2); short protein forms S9T.
Identifiers: ClinVar variation 843214 (VCV000843214.8), dbSNP rs748917973, ClinGen allele CA2289608.

ClinVar aggregate classification (germline): Uncertain significance. Review status: criteria provided, multiple submitters, no conflicts (2 of 4 stars). 3 submissions from 3 submitters: Uncertain significance (3). Last evaluated 2025-08-28.

Conditions:
Inborn genetic diseases. Identifiers: MedGen C0950123, MeSH D030342.
Congenital disorder of deglycosylation (CDDG). Identifiers: MedGen C3808991, MONDO:0031376.

Allele frequency attached by ClinVar (database versions not stated): ExAC below 0.00001; gnomAD exomes 0.00001 and 0.00003; gnomAD 0.00003; TOPMed 0.00004.
gnomAD v4.1: 43 of 1,556,580 alleles (0.0028%); highest among the groups gnomAD compares: Middle Eastern, 0.063%; no homozygotes.

Submissions (3):

Ambry Genetics
Classification: Uncertain significance for Inborn genetic diseases. Last evaluated: 2025-08-28. Review status: criteria provided, single submitter. Criteria: Ambry Variant Classification Scheme 2023. Collection method: clinical testing. Allele origin: germline.

Labcorp Genetics (formerly Invitae), Labcorp
Classification: Uncertain significance for Congenital disorder of deglycosylation. Last evaluated: 2025-01-08. Review status: criteria provided, single submitter. Criteria: Invitae Variant Classification Sherloc (09022015). Collection method: clinical testing. Allele origin: germline.
Comment: This sequence change replaces serine, which is neutral and polar, with threonine, which is neutral and polar, at codon 9 of the NGLY1 protein (p.Ser9Thr). This variant is present in population databases (rs748917973, gnomAD 0.008%). This variant has not been reported in the literature in individuals affected with NGLY1-related conditions. ClinVar contains an entry for this variant (Variation ID: 843214). Experimental studies and prediction algorithms are not available or were not evaluated, and the functional significance of this variant is currently unknown. In summary, the available evidence is currently insufficient to determine the role of this variant in disease. Therefore, it has been classified as a Variant of Uncertain Significance.

Blueprint Genetics
Classification: Uncertain significance. Last evaluated: 2022-10-12. Review status: criteria provided, single submitter. Criteria: ACMG Guidelines, 2015. Collection method: clinical testing. Allele origin: germline.